The following is an entry in ClinVar:

ClinVar aggregate classification (germline): Likely pathogenic (1 of 4 stars; one submission).

Conditions:
Spongy degeneration of central nervous system. Also called: AMINOACYLASE 2 DEFICIENCY; ACY2 DEFICIENCY; ASP DEFICIENCY; ASPA DEFICIENCY; ASPARTOACYLASE DEFICIENCY; CANAVAN-VAN BOGAERT-BERTRAND DISEASE. Identifiers: Orphanet 141, MedGen C0206307, MONDO:0010079, OMIM 271900.

gnomAD v4.1: 1 of 1,612,778 alleles (0.000062%); highest among the groups gnomAD compares: Admixed American, 0.0017%; no homozygotes.

Submission:

Labcorp Genetics (formerly Invitae), Labcorp
Classification: Likely pathogenic for Spongy degeneration of central nervous system. Last evaluated: 2023-11-07. Review status: criteria provided, single submitter. Criteria: Invitae Variant Classification Sherloc (09022015). Collection method: clinical testing. Allele origin: germline.
Comment: This sequence change replaces valine, which is neutral and non-polar, with alanine, which is neutral and non-polar, at codon 186 of the ASPA protein (p.Val186Ala). This variant is not present in population databases (gnomAD no frequency). This variant has not been reported in the literature in individuals affected with ASPA-related conditions. Advanced modeling of protein sequence and biophysical properties (such as structural, functional, and spatial information, amino acid conservation, physicochemical variation, residue mobility, and thermodynamic stability) performed at Invitae indicates that this missense variant is expected to disrupt ASPA protein function with a positive predictive value of 95%. This variant disrupts the p.Val186 amino acid residue in ASPA. Other variant(s) that disrupt this residue have been determined to be pathogenic (PMID: 27531131). This suggests that this residue is clinically significant, and that variants that disrupt this residue are likely to be disease-causing. In summary, the currently available evidence indicates that the variant is pathogenic, but additional data are needed to prove that conclusively. Therefore, this variant has been classified as Likely Pathogenic.

Literature cited by the submitters: PubMed 27531131.

NM_000049.4(ASPA):c.557T>C (p.Val186Ala)

Genes: SPATA22 (spermatogenesis associated 22; minus strand), ASPA (aspartoacylase; plus strand). Cytogenetic location: 17p13.2.
Variant type: single nucleotide variant.
Coding change: c.557T>C on transcript NM_000049.4 (MANE Select); coding-DNA position 557, T replaced by C.
Protein change: p.Val186Ala; replaces valine 186 with alanine.
Molecular consequence: missense variant. On other transcripts: intron variant (2).
Genome position (GRCh38, 1-based): chr17:3,489,265, T>C. VCF-style: chr17-3489265-T-C. GRCh37 (hg19) VCF-style: chr17-3392559-T-C.
Other names: c.557T>C, p.Val186Ala (NM_001128085.1); c.-73-19867A>G (NM_001321336.2, NM_001321337.2); short protein forms V186A.
Identifiers: ClinVar variation 2800463 (VCV002800463.3), dbSNP rs747438350, ClinGen allele CA397684496.